The following is an entry in ClinVar:

ClinVar aggregate classification (germline): Uncertain significance (1 of 4 stars; one submission).

Conditions:
DYRK1A-related intellectual disability syndrome (MRD7). Also called: Intellectual developmental disorder, autosomal dominant 7; DYRK1A Syndrome. Identifiers: Orphanet 464306, MedGen C5568143, MONDO:0013578, OMIM 614104.

Allele frequency attached by ClinVar (database versions not stated): gnomAD exomes below 0.00001.
gnomAD v4.1: 1 of 1,614,196 alleles (0.000062%); highest among the groups gnomAD compares: Admixed American, 0.0017%; no homozygotes.

Submission:

Labcorp Genetics (formerly Invitae), Labcorp
Classification: Uncertain significance for DYRK1A-related intellectual disability syndrome. Last evaluated: 2024-01-08. Review status: criteria provided, single submitter. Criteria: Invitae Variant Classification Sherloc (09022015). Collection method: clinical testing. Allele origin: germline.
Comment: This sequence change replaces phenylalanine, which is neutral and non-polar, with cysteine, which is neutral and slightly polar, at codon 85 of the DYRK1A protein (p.Phe85Cys). This variant is not present in population databases (gnomAD no frequency). This variant has not been reported in the literature in individuals affected with DYRK1A-related conditions. ClinVar contains an entry for this variant (Variation ID: 656015). Advanced modeling of protein sequence and biophysical properties (such as structural, functional, and spatial information, amino acid conservation, physicochemical variation, residue mobility, and thermodynamic stability) has been performed at Invitae for this missense variant, however the output from this modeling did not meet the statistical confidence thresholds required to predict the impact of this variant on DYRK1A protein function. In summary, the available evidence is currently insufficient to determine the role of this variant in disease. Therefore, it has been classified as a Variant of Uncertain Significance.

NM_001347721.2(DYRK1A):c.227T>G (p.Phe76Cys)

Gene: DYRK1A (dual specificity tyrosine phosphorylation regulated kinase 1A; plus strand). Cytogenetic location: 21q22.13.
Variant type: single nucleotide variant.
Coding change: c.227T>G on transcript NM_001347721.2 (MANE Select); coding-DNA position 227, T replaced by G.
Protein change: p.Phe76Cys; replaces phenylalanine 76 with cysteine.
Molecular consequence: missense variant.
Genome position (GRCh38, 1-based): chr21:37,478,227, T>G. VCF-style: chr21-37478227-T-G. GRCh37 (hg19) VCF-style: chr21-38850529-T-G.
Other names: c.227T>G, p.Phe76Cys (NM_001347722.2, NM_130436.2); c.140T>G, p.Phe47Cys (NM_001347723.2); c.254T>G, p.Phe85Cys (NM_001396.5, NM_101395.2, NM_130438.2); short protein forms F76C, F85C, F47C.
Identifiers: ClinVar variation 656015 (VCV000656015.11), dbSNP rs1601219318, ClinGen allele CA409943399.
Genomic context (GRCh38, chr21:37,478,227, plus strand): 5'-TCTGTCTATTTAAGGTGATGCCTGATATTGTCATGTTACAGAGGCGGATGCCCCAAACCT[T>G]CCGTGACCCAGCAACTGCTCCCCTGAGAAAACTTTCTGTTGACTTGATCAAAACATACAA-3'
Protein context (NP_001334650.1, residues 66-86): LTNQRRMPQT[Phe76Cys]RDPATAPLRK